The following is an entry in ClinVar:

ClinVar aggregate classification (germline): Pathogenic. Review status: criteria provided, multiple submitters, no conflicts (2 of 4 stars). 2 submissions from 2 submitters: Pathogenic (2). Last evaluated 2024-08-31.

Conditions:
Retinoblastoma (RB1). Also called: RETINOBLASTOMA, SOMATIC. Identifiers: Orphanet 790, MedGen C0035335, MeSH D012175, MONDO:0008380, OMIM 180200, HP:0009919. Disease mechanism: loss of function. Inheritance: Both sporadic and heritable forms are tested..

Submissions (2):

Labcorp Genetics (formerly Invitae), Labcorp
Classification: Pathogenic for Retinoblastoma. Last evaluated: 2024-08-31. Review status: criteria provided, single submitter. Criteria: Invitae Variant Classification Sherloc (09022015). Collection method: clinical testing. Allele origin: germline.
Comment: This sequence change creates a premature translational stop signal (p.Glu533*) in the RB1 gene. It is expected to result in an absent or disrupted protein product. Loss-of-function variants in RB1 are known to be pathogenic (PMID: 17096365). This variant is not present in population databases (gnomAD no frequency). This premature translational stop signal has been observed in individual(s) with retinoblastoma (PMID: 9639842, 12541220). ClinVar contains an entry for this variant (Variation ID: 1071424). For these reasons, this variant has been classified as Pathogenic.

Genetic Diagnostic Laboratory, University of Pennsylvania School of Medicine
Classification: Pathogenic for Retinoblastoma. Last evaluated: 2024-05-20. Review status: criteria provided, single submitter. Criteria: ACMG Guidelines, 2015. Collection method: clinical testing. Allele origin: germline. Affected: yes. Observed: 2 variant alleles.
Comment: Case and Pedigree Information: BILATERAL CASES:1, UNILATERAL CASES:1, TOTAL CASES:2, PEDIGREES:2. ACMG Codes Applied:PVS1, PM2

Literature cited by the submitters: PubMed 17096365 (cited by Labcorp Genetics (formerly Invitae), Labcorp); PubMed 9639842 (cited by Labcorp Genetics (formerly Invitae), Labcorp); PubMed 12541220 (cited by Labcorp Genetics (formerly Invitae), Labcorp).

NM_000321.3(RB1):c.1597G>T (p.Glu533Ter)

Gene: RB1 (RB transcriptional corepressor 1; plus strand). Cytogenetic location: 13q14.2.
Variant type: single nucleotide variant.
Coding change: c.1597G>T on transcript NM_000321.3 (MANE Select); coding-DNA position 1597, G replaced by T.
Protein change: p.Glu533Ter; replaces glutamic acid 533 with a stop codon.
Molecular consequence: nonsense.
Genome position (GRCh38, 1-based): chr13:48,381,345, G>T. VCF-style: chr13-48381345-G-T. GRCh37 (hg19) VCF-style: chr13-48955481-G-T.
Other names: short protein forms E533*.
Identifiers: ClinVar variation 1071424 (VCV001071424.8), dbSNP rs1237070816, ClinGen allele CA388163694.